The following is an entry in ClinVar:

ClinVar aggregate classification (germline): Uncertain significance (1 of 4 stars; one submission).

Conditions:
Familial sleep-related hypermotor epilepsy. Also called: Autosomal Dominant Sleep-Related Hypermotor (Hyperkinetic) Epilepsy. Identifiers: Orphanet 98784, MedGen C3696898, MONDO:0000030.

Submission:

Labcorp Genetics (formerly Invitae), Labcorp
Classification: Uncertain significance. Last evaluated: 2022-08-31. Review status: criteria provided, single submitter. Criteria: Invitae Variant Classification Sherloc (09022015). Collection method: clinical testing. Allele origin: germline.
Comment: Algorithms developed to predict the effect of missense changes on protein structure and function (SIFT, PolyPhen-2, Align-GVGD) all suggest that this variant is likely to be disruptive. This sequence change replaces arginine, which is basic and polar, with glycine, which is neutral and non-polar, at codon 345 of the CHRNA4 protein (p.Arg345Gly). This variant is not present in population databases (gnomAD no frequency). This variant has not been reported in the literature in individuals affected with CHRNA4-related conditions. In summary, the available evidence is currently insufficient to determine the role of this variant in disease. Therefore, it has been classified as a Variant of Uncertain Significance.

NM_000744.7(CHRNA4):c.1033C>G (p.Arg345Gly)

Gene: CHRNA4 (cholinergic receptor nicotinic alpha 4 subunit; minus strand). Cytogenetic location: 20q13.33.
Variant type: single nucleotide variant.
Coding change: c.1033C>G on transcript NM_000744.7 (MANE Select); coding-DNA position 1033, C replaced by G.
Protein change: p.Arg345Gly; replaces arginine 345 with glycine.
Molecular consequence: missense variant. On other transcripts: non-coding transcript variant (1).
Genome position (GRCh38, 1-based): chr20:63,350,378, G>C on the plus strand (C>G on the coding strand, the complement: CHRNA4 is on the minus strand). VCF-style: chr20-63350378-G-C. GRCh37 (hg19) VCF-style: chr20-61981730-G-C.
Other names: c.505C>G, p.Arg169Gly (NM_001256573.2); short protein forms R169G, R345G.
Identifiers: ClinVar variation 1717322 (VCV001717322.5), dbSNP rs142260793, ClinGen allele CA409635467.